The following is an entry in ClinVar:

ClinVar aggregate classification (germline): Likely benign. Review status: criteria provided, multiple submitters, no conflicts (2 of 4 stars). 2 submissions from 2 submitters: Likely benign (2). Last evaluated 2025-05-14.

Conditions:
EYS-related disorder. Also called: EYS-related condition.

gnomAD v4.1: 1 of 1,549,388 alleles (0.000065%); no homozygotes.

Submissions (2):

PreventionGenetics, part of Exact Sciences
Classification: Likely benign for EYS-related condition. Last evaluated: 2025-05-14. Review status: criteria provided, single submitter. Criteria: ACMG Guidelines, 2015. Collection method: clinical testing. Allele origin: germline.
Comment: This variant is classified as likely benign based on ACMG/AMP sequence variant interpretation guidelines (Richards et al. 2015 PMID: 25741868, with internal and published modifications).

Labcorp Genetics (formerly Invitae), Labcorp
Classification: Likely benign. Last evaluated: 2023-09-05. Review status: criteria provided, single submitter. Criteria: Invitae Variant Classification Sherloc (09022015). Collection method: clinical testing. Allele origin: germline.

NM_001142800.2(EYS):c.2322G>A (p.Glu774=)

Gene: EYS (EGF-like photoreceptor maintenance factor; minus strand). Cytogenetic location: 6q12.
Variant type: single nucleotide variant.
Coding change: c.2322G>A on transcript NM_001142800.2 (MANE Select); coding-DNA position 2322, G replaced by A.
Protein change: p.Glu774=; no amino-acid change (glutamic acid 774 retained).
Molecular consequence: synonymous variant.
Genome position (GRCh38, 1-based): chr6:64,945,852, C>T on the plus strand (G>A on the coding strand, the complement: EYS is on the minus strand). VCF-style: chr6-64945852-C-T. GRCh37 (hg19) VCF-style: chr6-65655745-C-T.
Other names: c.2322G>A (NM_001142800.1); c.2322G>A, p.Glu774= (NM_001292009.2).
Identifiers: ClinVar variation 1100589 (VCV001100589.10), dbSNP rs1769270123, ClinGen allele CA450765642.